The following is an entry in ClinVar:

NM_005033.3(EXOSC9):c.559A>G (p.Ile187Val)

Gene: EXOSC9 (exosome component 9; plus strand). Cytogenetic location: 4q27.
Variant type: single nucleotide variant.
Coding change: c.559A>G on transcript NM_005033.3 (MANE Select); coding-DNA position 559, A replaced by G.
Protein change: p.Ile187Val; replaces isoleucine 187 with valine.
Molecular consequence: missense variant.
Genome position (GRCh38, 1-based): chr4:121,807,576, A>G. VCF-style: chr4-121807576-A-G. GRCh37 (hg19) VCF-style: chr4-122728731-A-G.
Other names: c.559A>G, p.Ile187Val (NM_001034194.2); short protein forms I187V.
Identifiers: ClinVar variation 2174024 (VCV002174024.1), dbSNP rs749486388, ClinGen allele CA3063453.

ClinVar aggregate classification (germline): Uncertain significance (1 of 4 stars; one submission).

Allele frequency attached by ClinVar (database versions not stated): gnomAD exomes 0.00001; ExAC 0.00002.

Submission:

Labcorp Genetics (formerly Invitae), Labcorp
Classification: Uncertain significance. Last evaluated: 2022-08-19. Review status: criteria provided, single submitter. Criteria: Invitae Variant Classification Sherloc (09022015). Collection method: clinical testing. Allele origin: germline.
Comment: This sequence change replaces isoleucine, which is neutral and non-polar, with valine, which is neutral and non-polar, at codon 187 of the EXOSC9 protein (p.Ile187Val). This variant is present in population databases (rs749486388, gnomAD 0.0009%). This variant has not been reported in the literature in individuals affected with EXOSC9-related conditions. Algorithms developed to predict the effect of missense changes on protein structure and function are either unavailable or do not agree on the potential impact of this missense change (SIFT: "Deleterious"; PolyPhen-2: "Benign"; Align-GVGD: "Class C25"). In summary, the available evidence is currently insufficient to determine the role of this variant in disease. Therefore, it has been classified as a Variant of Uncertain Significance.